The following is an entry in ClinVar:

NM_004415.4(DSP):c.408T>A (p.Asp136Glu)

Gene: DSP (desmoplakin; plus strand). Cytogenetic location: 6p24.3.
Variant type: single nucleotide variant.
Coding change: c.408T>A on transcript NM_004415.4 (MANE Select); coding-DNA position 408, T replaced by A.
Protein change: p.Asp136Glu; replaces aspartic acid 136 with glutamic acid.
Molecular consequence: missense variant.
Genome position (GRCh38, 1-based): chr6:7,558,250, T>A. VCF-style: chr6-7558250-T-A. GRCh37 (hg19) VCF-style: chr6-7558483-T-A.
Other names: c.408T>A, p.Asp136Glu (NM_001008844.3, NM_001319034.2, NM_001406591.1); short protein forms D136E.
Identifiers: ClinVar variation 3074879 (VCV003074879.1), dbSNP rs774188472, ClinGen allele CA362671399.

ClinVar aggregate classification (germline): Uncertain significance (1 of 4 stars; one submission).

Conditions:
Arrhythmogenic cardiomyopathy with wooly hair and keratoderma. Also called: PALMOPLANTAR KERATODERMA WITH LEFT VENTRICULAR CARDIOMYOPATHY AND WOOLLY HAIR; Carvajal syndrome; Dilated cardiomyopathy with woolly hair and keratoderma; Arrhythmogenic cardiomyopathy with woolly hair and keratoderma. Identifiers: Orphanet 65282, MedGen C1854063, MONDO:0011581, OMIM 605676.

Submission:

All of Us Research Program, National Institutes of Health
Classification: Uncertain significance for Arrhythmogenic cardiomyopathy with wooly hair and keratoderma. Last evaluated: 2023-12-13. Review status: criteria provided, single submitter. Criteria: ACMG Guidelines, 2015. Collection method: clinical testing. Allele origin: germline. Inheritance: Autosomal dominant inheritance. Observed: 1 variant allele, 1 heterozygote.
Comment: This missense variant replaces aspartic acid with glutamic acid at codon 136 of the DSP protein. Computational prediction suggests that this variant may not impact protein structure and function (internally defined REVEL score threshold <= 0.5, PMID: 27666373). To our knowledge, functional studies have not been reported for this variant. This variant has not been reported in individuals affected with DSP-related disorders in the literature. This variant has not been identified in the general population by the Genome Aggregation Database (gnomAD). The available evidence is insufficient to determine the role of this variant in disease conclusively. Therefore, this variant is classified as a Variant of Uncertain Significance.

This study involves interpretation of variants in research participants for the purpose of population health screening. Participant phenotype was not available at the time of variant classification. Additional details can be found in publication PMID: 35346344, PMCID: PMC8962531